The following is an entry in ClinVar:

ClinVar aggregate classification (germline): Uncertain significance (1 of 4 stars; one submission).

Conditions:
Inborn genetic diseases. Identifiers: MedGen C0950123, MeSH D030342.

Submission:

Ambry Genetics
Classification: Uncertain significance for Inborn genetic diseases. Last evaluated: 2024-12-17. Review status: criteria provided, single submitter. Criteria: Ambry Variant Classification Scheme 2023. Collection method: clinical testing. Allele origin: germline.
Comment: The p.S832P variant (also known as c.2494T>C), located in coding exon 14 of the FANCM gene, results from a T to C substitution at nucleotide position 2494. The serine at codon 832 is replaced by proline, an amino acid with similar properties. This amino acid position is conserved. In addition, this alteration is predicted to be tolerated by in silico analysis. Based on the available evidence, the clinical significance of this variant remains unclear.

NM_020937.4(FANCM):c.2494T>C (p.Ser832Pro)

Gene: FANCM (FA complementation group M; plus strand). Cytogenetic location: 14q21.2.
Variant type: single nucleotide variant.
Coding change: c.2494T>C on transcript NM_020937.4 (MANE Select); coding-DNA position 2494, T replaced by C.
Protein change: p.Ser832Pro; replaces serine 832 with proline.
Molecular consequence: missense variant.
Genome position (GRCh38, 1-based): chr14:45,175,248, T>C. VCF-style: chr14-45175248-T-C. GRCh37 (hg19) VCF-style: chr14-45644451-T-C.
Other names: c.2416T>C, p.Ser806Pro (NM_001308133.2); short protein forms S832P, S806P.
Identifiers: ClinVar variation 3848513 (VCV003848513.1).